The following is an entry in ClinVar:

NM_007294.4(BRCA1):c.5307T>C (p.Tyr1769=)

Gene: BRCA1 (BRCA1 DNA repair associated; minus strand). Cytogenetic location: 17q21.31.
Variant type: single nucleotide variant.
Coding change: c.5307T>C on transcript NM_007294.4 (MANE Select); coding-DNA position 5307, T replaced by C.
Protein change: p.Tyr1769=; no amino-acid change (tyrosine 1769 retained).
Molecular consequence: synonymous variant. On other transcripts: intron variant (2).
Genome position (GRCh38, 1-based): chr17:43,051,088, A>G on the plus strand (T>C on the coding strand, the complement: BRCA1 is on the minus strand). VCF-style: chr17-43051088-A-G. GRCh37 (hg19) VCF-style: chr17-41203105-A-G.
Other names: c.1872T>C, p.Tyr624= (NM_001408432.1, NM_001408433.1, NM_001408434.1 and 10 more transcripts); c.1869T>C, p.Tyr623= (NM_001408445.1, NM_001408446.1, NM_001408447.1 and 2 more transcripts); c.1863T>C, p.Tyr621= (NM_001408451.1); c.1857T>C, p.Tyr619= (NM_001408452.1, NM_001408453.1, NM_001408454.1 and 3 more transcripts); c.1854T>C, p.Tyr618= (NM_001408458.1, NM_001408459.1, NM_001408460.1 and 7 more transcripts); c.1851T>C, p.Tyr617= (NM_001408468.1, NM_001408469.1, NM_001408470.1); c.1995T>C, p.Tyr665= (NM_001408472.1, NM_007298.4, NM_007299.4 and 13 more transcripts); c.1992T>C, p.Tyr664= (NM_001408473.1, NM_001408392.1, NM_001408396.1 and 8 more transcripts); and 74 more.
Identifiers: ClinVar variation 865580 (VCV000865580.3), dbSNP rs397509258, ClinGen allele CA500143590.
Genomic context (GRCh38, chr17:43,051,088, plus strand): 5'-GGTGCTGGAACTCTGGGGTTCTCCCAGGCTCTTACCTGTGGGCATGTTGGTGAAGGGCCC[A>G]TAGCAACAGATTTCTAGCCCCCTGAAGATCTGGAAGAAGAGAGGAAGAGAGAGGGACAGG-3'
Protein context (NP_009225.1, residues 1759-1779): KIFRGLEICC[Tyr1769=]GPFTNMPTDQ

Conditions:
Breast-ovarian cancer, familial, susceptibility to, 1 (BROVCA1). Also called: BRCA1 Hereditary Breast and Ovarian Cancer; OVARIAN CANCER, SUSCEPTIBILITY TO. Identifiers: Orphanet 145, MedGen C2676676, MONDO:0011450, OMIM 604370. Disease mechanism: loss of function.

Submission:

Brotman Baty Institute, University of Washington
No classification provided (evidence only). Condition: Breast-ovarian cancer, familial 1. Review status: no classification provided. Collection method: in vitro. Allele origin: not applicable. Functional consequence: functionally_normal.
ClinVar note: "not provided" was previously submitted as the classification for the variant. However, the classification appeared to be based only on an observation of functional data so it was converted to no classification on 2025-07-30.